The following is an entry in ClinVar:

ClinVar aggregate classification (germline): Likely pathogenic. Review status: criteria provided, multiple submitters, no conflicts (2 of 4 stars). 3 submissions from 3 submitters: Likely pathogenic (3). Last evaluated 2025-05-22.

Conditions:
Hereditary cancer-predisposing syndrome. Also called: Hereditary Cancer Syndrome; Tumor predisposition; Neoplastic Syndromes, Hereditary; Hereditary neoplastic syndrome. Identifiers: Orphanet 140162, MedGen C0027672, MeSH D009386, MONDO:0015356.
Bloom syndrome (BLM). Also called: Bloom-Torre-Machacek syndrome. Identifiers: Orphanet 125, MedGen C0005859, MONDO:0008876, OMIM 210900.

Submissions (3):

Labcorp Genetics (formerly Invitae), Labcorp
Classification: Likely pathogenic for Bloom syndrome. Last evaluated: 2025-05-22. Review status: criteria provided, single submitter. Criteria: Invitae Variant Classification Sherloc (09022015). Collection method: clinical testing. Allele origin: germline.
Comment: This sequence change affects a donor splice site in intron 3 of the BLM gene. It is expected to disrupt RNA splicing. Variants that disrupt the donor or acceptor splice site typically lead to a loss of protein function (PMID: 16199547), and loss-of-function variants in BLM are known to be pathogenic (PMID: 17407155). This variant is not present in population databases (gnomAD no frequency). This variant has not been reported in the literature in individuals affected with BLM-related conditions. ClinVar contains an entry for this variant (Variation ID: 864067). Algorithms developed to predict the effect of sequence changes on RNA splicing suggest that this variant may disrupt the consensus splice site. In summary, the currently available evidence indicates that the variant is pathogenic, but additional data are needed to prove that conclusively. Therefore, this variant has been classified as Likely Pathogenic.

Natera, Inc.
Classification: Likely pathogenic for Bloom syndrome. Last evaluated: 2025-02-12. Review status: criteria provided, single submitter. Criteria: Natera Variant Classification Schema (03/2026). Collection method: clinical testing. Allele origin: germline.
Comment: The c.799+1G>T variant in BLM is a canonical splice donor site variant predicted to affect pre-mRNA splicing, which may result in an abnormal transcript and altered protein product. This variant is expected to result in nonsense mediated decay, truncation, or a dysfunctional protein product. This variant is rare in the general population with a frequency below the threshold expected for the associated phenotype(s). Given the available evidence, this variant is classified as Likely Pathogenic.

Ambry Genetics
Classification: Likely pathogenic for Hereditary cancer-predisposing syndrome. Last evaluated: 2021-09-23. Review status: criteria provided, single submitter. Criteria: Ambry Variant Classification Scheme 2023. Collection method: clinical testing. Allele origin: germline.
Comment: The c.799+1G>T intronic variant results from a G to T substitution one nucleotide after coding exon 2 of the BLM gene. This variant is considered to be rare based on population cohorts in the Genome Aggregation Database (gnomAD). This nucleotide position is highly conserved in available vertebrate species. In silico splice site analysis predicts that this alteration will weaken the native splice donor site. Alterations that disrupt the canonical splice site are expected to cause aberrant splicing, resulting in an abnormal protein or a transcript that is subject to nonsense-mediated mRNA decay. As such, this alteration is classified as likely pathogenic.

Literature cited by the submitters: PubMed 16199547 (cited by Labcorp Genetics (formerly Invitae), Labcorp); PubMed 17407155 (cited by Labcorp Genetics (formerly Invitae), Labcorp).

NM_000057.4(BLM):c.799+1G>T

Gene: BLM (BLM RecQ like helicase; plus strand). Cytogenetic location: 15q26.1.
Variant type: single nucleotide variant.
Coding change: c.799+1G>T on transcript NM_000057.4 (MANE Select); the canonical splice donor site of the intron after coding-DNA position 799, G replaced by T.
Molecular consequence: splice donor variant.
Genome position (GRCh38, 1-based): chr15:90,750,068, G>T. VCF-style: chr15-90750068-G-T. GRCh37 (hg19) VCF-style: chr15-91293298-G-T.
Other names: c.799+1G>T (NM_001287246.2, NM_001287247.2, NM_000057.2); c.-493+1G>T (NM_001287248.2).
Identifiers: ClinVar variation 864067 (VCV000864067.12), dbSNP rs1895641581, ClinGen allele CA393841594.
Genomic context (GRCh38, chr15:90,750,068, plus strand): 5'-ATATAAATGAAGATGCTCAGGAAAGTGACTCTCTGAAAACTCATTTGGAAGATGAAAGAG[G>T]TAACAATTATTTTATCTTCATTTTAGTATGTTCATTGTACTTTTTTATTCAAAGCTAGCC-3'